The following is an entry in ClinVar:

NM_033419.5(PGAP3):c.827C>T (p.Pro276Leu)

Gene: PGAP3 (post-GPI attachment to proteins phospholipase 3; minus strand). Cytogenetic location: 17q12.
Variant type: single nucleotide variant.
Coding change: c.827C>T on transcript NM_033419.5 (MANE Select); coding-DNA position 827, C replaced by T.
Protein change: p.Pro276Leu; replaces proline 276 with leucine.
Molecular consequence: missense variant. On other transcripts: intron variant (3).
Genome position (GRCh38, 1-based): chr17:39,673,123, G>A on the plus strand (C>T on the coding strand, the complement: PGAP3 is on the minus strand). VCF-style: chr17-39673123-G-A. GRCh37 (hg19) VCF-style: chr17-37829376-G-A.
Other names: c.674C>T, p.Pro225Leu (NM_001291726.2); c.764C>T, p.Pro255Leu (NM_001291728.2); c.433-257C>T (NM_001291733.2); c.495-257C>T (NM_001291732.2); c.558-257C>T (NM_001291730.2); short protein forms P276L, P225L, P255L.
Identifiers: ClinVar variation 426134 (VCV000426134.27), dbSNP rs750093817, ClinGen allele CA8533229.

ClinVar aggregate classification (germline): Pathogenic/Likely pathogenic. Review status: criteria provided, multiple submitters, no conflicts (2 of 4 stars). 10 submissions from 10 submitters: Pathogenic (4); Likely pathogenic (6). Last evaluated 2025-12-01.

Conditions:
PGAP3-related disorder. Also called: PGAP3-related condition.
Inborn genetic diseases. Identifiers: MedGen C0950123, MeSH D030342.
Hyperphosphatasia with impaired intellectual development syndrome 4. Also called: GLYCOSYLPHOSPHATIDYLINOSITOL BIOSYNTHESIS DEFECT 10; Hyperphosphatasia with intellectual disability syndrome 4. Identifiers: Orphanet 247262, MedGen C3810354, MONDO:0014318, OMIM 615716.

Allele frequency attached by ClinVar (database versions not stated): gnomAD exomes 0.00005; gnomAD 0.00007 and 0.00006; TOPMed 0.00004; ExAC 0.00012.

Submissions (10):

Labcorp Genetics (formerly Invitae), Labcorp
Classification: Pathogenic. Last evaluated: 2025-12-01. Review status: criteria provided, single submitter. Criteria: Invitae Variant Classification Sherloc (09022015). Collection method: clinical testing. Allele origin: germline.
Comment: This sequence change replaces proline, which is neutral and non-polar, with leucine, which is neutral and non-polar, at codon 276 of the PGAP3 protein (p.Pro276Leu). This variant is present in population databases (rs750093817, gnomAD 0.01%). This missense change has been observed in individual(s) with clinical features of PGAP3-related conditions (GeneDx, internal data). In at least one individual the data is consistent with being in trans (on the opposite chromosome) from a pathogenic variant. ClinVar contains an entry for this variant (Variation ID: 426134). Invitae Evidence Modeling of protein sequence and biophysical properties (such as structural, functional, and spatial information, amino acid conservation, physicochemical variation, residue mobility, and thermodynamic stability) indicates that this missense variant is expected to disrupt PGAP3 protein function with a positive predictive value of 95%. For these reasons, this variant has been classified as Pathogenic.

Ambry Genetics
Classification: Pathogenic for Inborn genetic diseases. Last evaluated: 2025-09-24. Review status: criteria provided, single submitter. Criteria: Ambry Variant Classification Scheme 2023. Collection method: clinical testing. Allele origin: germline.
Comment: The c.827C>T (p.P276L) alteration is located in exon 7 (coding exon 7) of the PGAP3 gene. This alteration results from a C to T substitution at nucleotide position 827, causing the proline (P) at amino acid position 276 to be replaced by a leucine (L). Based on data from gnomAD, the T allele has an overall frequency of 0.006% (17/267716) total alleles studied. The highest observed frequency was 0.015% (1/6856) of Other alleles. This variant has been identified in the homozygous state and/or in conjunction with other PGAP3 variants in individuals with features consistent with PGAP3-related hyperphosphatasia with intellectual disability syndrome; in at least one instance, the variants were identified in trans (Mitani, 2021; Levchenko, 2022; external communication). This nucleotide position is highly conserved in available vertebrate species. This alteration is predicted to be deleterious by in silico analysis. Based on the available evidence, this alteration is classified as pathogenic.

Laboratory of Genetics, Children's Clinical University Hospital Latvia
Classification: Pathogenic. Last evaluated: 2025-02-16. Review status: criteria provided, single submitter. Criteria: ACMG Guidelines, 2015. Collection method: clinical testing. Allele origin: germline. Affected: yes.

Blueprint Genetics
Classification: Likely pathogenic for PGAP3-related disorders. Last evaluated: 2024-11-18. Review status: criteria provided, single submitter. Criteria: ACMG Guidelines, 2015. Collection method: clinical testing. Allele origin: germline. Affected: yes. Observed: 5 variant alleles.

Fulgent Genetics
Classification: Likely pathogenic for Hyperphosphatasia with impaired intellectual development syndrome 4. Last evaluated: 2024-03-28. Review status: criteria provided, single submitter. Criteria: ACMG Guidelines, 2015. Collection method: clinical testing. Allele origin: germline.

GeneDx
Classification: Likely pathogenic. Last evaluated: 2024-03-20. Review status: criteria provided, single submitter. Criteria: GeneDx Variant Classification Process June 2021. Collection method: clinical testing. Allele origin: germline. Affected: yes.
Comment: Not observed at significant frequency in large population cohorts (gnomAD); In silico analysis supports that this missense variant has a deleterious effect on protein structure/function; This variant is associated with the following publications: (PMID: 26077850, 24439110, 17314402, 28390064, 22265715, 35887114, 34582790, 35982160, 35982159)

PreventionGenetics, part of Exact Sciences
Classification: Likely pathogenic for PGAP3-related condition. Last evaluated: 2023-02-06. Review status: criteria provided, single submitter. Criteria: ACMG Guidelines, 2015. Collection method: clinical testing. Allele origin: germline.
Comment: The PGAP3 c.827C>T variant is predicted to result in the amino acid substitution p.Pro276Leu. This variant has been found in the homozygous state in three individuals from two cohorts of patients with neurodevelopmental and/or intellectual disorders (Table S2 in Mitani et al. 2021. PubMed ID: 34582790; Levchenko et al. 2022. PubMed ID: 35887114). This variant is reported in 0.013% of alleles in individuals of European (Finnish) descent in gnomAD. This variant is interpreted as likely pathogenic.

Women's Health and Genetics/Laboratory Corporation of America, LabCorp
Classification: Pathogenic for Hyperphosphatasia with impaired intellectual development syndrome 4. Last evaluated: 2022-12-08. Review status: criteria provided, single submitter. Criteria: LabCorp Variant Classification Summary - May 2015. Collection method: clinical testing. Allele origin: germline.
Comment: Variant summary: PERLD1 c.827C>T (p.Pro276Leu) results in a non-conservative amino acid change in the encoded protein sequence. Five of five in-silico tools predict a damaging effect of the variant on protein function. The variant allele was found at a frequency of 6.6e-05 in 381074 control chromosomes. This frequency does not allow conclusions about variant significance to be made. c.827C>T has been reported in the literature in multiple homozygous individuals affected with PERLD1/PGAP3-associated disorders (e.g. Mitani_2021, Levchenko_2022). These data indicate that the variant is very likely to be associated with disease. To our knowledge, no experimental evidence demonstrating an impact on protein function has been reported. Three clinical diagnostic laboratories have submitted clinical-significance assessments for this variant to ClinVar after 2014, with two laboratories classifying the variant as uncertain significance and one lab classifying the variant as likely pathogenic. However, literature identifying the c.827C>T homozygous individuals with PERLD1/PGAP3-associated disorders (Mitani_2021 and Levchenko_2022) was published after these ClinVar submissions. Based on the evidence outlined above, the variant was classified as pathogenic.

Revvity Omics, Revvity
Classification: Likely pathogenic for Hyperphosphatasia with impaired intellectual development syndrome 4. Last evaluated: 2022-06-24. Review status: criteria provided, single submitter. Criteria: ACMG Guidelines, 2015. Collection method: clinical testing. Allele origin: germline.

Juno Genomics, Hangzhou Juno Genomics, Inc
Classification: Likely pathogenic for Hyperphosphatasia with impaired intellectual development syndrome 4. Review status: criteria provided, single submitter. Criteria: ACMG Guidelines, 2015. Collection method: clinical testing. Allele origin: germline.
Comment: Absent from controls (or at extremely low frequency if recessive) in Genome Aggregation Database.;Multiple lines of computational evidence support a deleterious effect on the gene or gene product.;For recessive disorders, detected in trans with a pathogenic variant.;Co-segregation with disease in multiple affected family members.;Patient's phenotype or family history is highly specific for a disease with a single genetic etiology.

Literature cited by the submitters: PubMed 34582790 (cited by Ambry Genetics and Women's Health and Genetics/Laboratory Corporation of America, LabCorp); PubMed 35887114 (cited by Ambry Genetics and Women's Health and Genetics/Laboratory Corporation of America, LabCorp); PubMed 29310717 (cited by Women's Health and Genetics/Laboratory Corporation of America, LabCorp).